The following is an entry in ClinVar:

NM_001189.4(NKX3-2):c.80T>C (p.Leu27Pro)

Gene: NKX3-2 (NK3 homeobox 2; minus strand). Cytogenetic location: 4p15.33.
Variant type: single nucleotide variant.
Coding change: c.80T>C on transcript NM_001189.4 (MANE Select); coding-DNA position 80, T replaced by C.
Protein change: p.Leu27Pro; replaces leucine 27 with proline.
Molecular consequence: missense variant.
Genome position (GRCh38, 1-based): chr4:13,544,335, A>G on the plus strand (T>C on the coding strand, the complement: NKX3-2 is on the minus strand). VCF-style: chr4-13544335-A-G. GRCh37 (hg19) VCF-style: chr4-13545959-A-G.
Other names: short protein forms L27P.
Identifiers: ClinVar variation 498652 (VCV000498652.11), dbSNP rs539850151, ClinGen allele CA2860495.

ClinVar aggregate classification (germline): Uncertain significance. Review status: criteria provided, multiple submitters, no conflicts (2 of 4 stars). 3 submissions from 3 submitters: Uncertain significance (3). Last evaluated 2025-09-30.

Allele frequency attached by ClinVar (database versions not stated): gnomAD 0.00028 and 0.00030; TOPMed 0.00030; ExAC 0.00038; 1000 Genomes Project 0.00040; 1000 Genomes Project 30x 0.00047; gnomAD exomes 0.00011 and 0.00026.
gnomAD v4.1: 234 of 1,532,582 alleles (0.015%); highest among the groups gnomAD compares: Middle Eastern, 0.14%; 3 homozygotes.

Submissions (3):

Labcorp Genetics (formerly Invitae), Labcorp
Classification: Uncertain significance. Last evaluated: 2025-09-30. Review status: criteria provided, single submitter. Criteria: Invitae Variant Classification Sherloc (09022015). Collection method: clinical testing. Allele origin: germline.
Comment: This sequence change replaces leucine, which is neutral and non-polar, with proline, which is neutral and non-polar, at codon 27 of the NKX3-2 protein (p.Leu27Pro). This variant is present in population databases (rs539850151, gnomAD 0.2%). This variant has not been reported in the literature in individuals affected with NKX3-2-related conditions. ClinVar contains an entry for this variant (Variation ID: 498652). An algorithm developed to predict the effect of missense changes on protein structure and function (PolyPhen-2) suggests that this variant is likely to be tolerated. In summary, the available evidence is currently insufficient to determine the role of this variant in disease. Therefore, it has been classified as a Variant of Uncertain Significance.

Eurofins Ntd Llc (ga)
Classification: Uncertain significance. Last evaluated: 2016-12-02. Review status: criteria provided, single submitter. Criteria: EGL Classification Definitions 2015. Collection method: clinical testing. Allele origin: germline. Observed: 1 variant allele, 1 heterozygote.

Breakthrough Genomics
Classification: Uncertain significance. Review status: criteria provided, single submitter. Criteria: ACMG Guidelines, 2015. Collection method: not provided. Allele origin: germline. Inheritance: Autosomal recessive inheritance. Affected: yes.